The following is an entry in ClinVar:

NM_000284.4(PDHA1):c.427G>A (p.Gly143Arg)

Gene: PDHA1 (pyruvate dehydrogenase E1 subunit alpha 1; plus strand). Cytogenetic location: Xp22.12.
Variant type: single nucleotide variant.
Coding change: c.427G>A on transcript NM_000284.4 (MANE Select); coding-DNA position 427, G replaced by A.
Protein change: p.Gly143Arg; replaces glycine 143 with arginine.
Molecular consequence: missense variant.
Genome position (GRCh38, 1-based): chrX:19,353,090, G>A. VCF-style: chrX-19353090-G-A. GRCh37 (hg19) VCF-style: chrX-19371208-G-A.
Other names: c.541G>A, p.Gly181Arg (NM_001173454.2); c.448G>A, p.Gly150Arg (NM_001173455.2); c.427G>A, p.Gly143Arg (NM_001173456.2); short protein forms G143R, G150R, G181R.
Identifiers: ClinVar variation 374322 (VCV000374322.2), dbSNP rs1057518695, ClinGen allele CA16043706.
Genomic context (GRCh38, chrX:19,353,090, plus strand): 5'-TGCTTTGTAGAGTTGGTTTGTTCTGCACATGTGTATGTTCTGCCATTTCCAGGACGAAAA[G>A]GAGGTTGTGCTAAAGGGAAAGGAGGATCGATGCACATGTATGCCAAGAACTTCTACGGGG-3'
Protein context (NP_000275.1, residues 133-153): EILAELTGRK[Gly143Arg]GCAKGKGGSM

ClinVar aggregate classification (germline): Uncertain significance (0 of 4 stars; one submission).

Conditions:
Pyruvate dehydrogenase E1-alpha deficiency (PDHAD). Also called: ATAXIA, INTERMITTENT, WITH PYRUVATE DEHYDROGENASE DEFICIENCY; ATAXIA WITH LACTIC ACIDOSIS I; ATAXIA, INTERMITTENT, WITH ABNORMAL PYRUVATE METABOLISM; Ataxia, intermittent, with pyruvate dehydrogenase, or decarboxylase, deficiency. Identifiers: Orphanet 79243, MedGen C1839413, MONDO:0010717, OMIM 312170.

Submission:

Baylor Genetics
Classification: Uncertain significance for Pyruvate dehydrogenase E1-alpha deficiency. Last evaluated: 2014-06-23. Review status: no assertion criteria provided. Collection method: clinical testing. Allele origin: de novo. Inheritance: X-linked inheritance. Affected: yes. Observed: 1 variant allele, 1 heterozygote.
Comment: A brain MRI showed microcephaly, simplified gyral pattern, diffuse reduction in the cerebral white matter volume, agenesis of the corpus callosum, marked lateral ventriculomegaly, volume loss and irregularity along the interior cerebellar hemispheres, and a small brainstem.